The following is an entry in ClinVar:

ClinVar aggregate classification (germline): Conflicting classifications of pathogenicity. Review status: criteria provided, conflicting classifications (1 of 4 stars). 2 submissions from 2 submitters: Likely pathogenic (1); Uncertain significance (1). Last evaluated 2024-12-16.

Conditions:
Familial thoracic aortic aneurysm and aortic dissection (TAAD). Also called: Thoracic aortic aneurysms and dissections. Identifiers: Orphanet 91387, MedGen C4707243, MONDO:0019625.
Ehlers-Danlos syndrome, type 4 (EDSVASC). Also called: Ehlers-Danlos syndrome vascular type; Ehlers Danlos syndrome, ecchymotic type; Ehlers Danlos syndrome, arterial type; Ehlers Danlos syndrome, Sack-Barabas type; Ehlers-Danlos Syndrome Type IV. Identifiers: Orphanet 286, MedGen C0268338, MONDO:0017314, OMIM 130050.

Submissions (2):

Ambry Genetics
Classification: Uncertain significance for Familial thoracic aortic aneurysm and aortic dissection. Last evaluated: 2024-12-16. Review status: criteria provided, single submitter. Criteria: Ambry Variant Classification Scheme 2023. Collection method: clinical testing. Allele origin: germline.
Comment: The c.2661+1G>A intronic variant results from a G to A substitution one nucleotide after coding exon 38 of the COL3A1 gene. Alterations that disrupt the canonical splice site are expected to cause aberrant splicing. In silico splice site analysis predicts that this alteration will weaken the native splice donor site. The resulting transcript is predicted to be in-frame and is not expected to trigger nonsense-mediated mRNA decay; although, direct evidence is unavailable. This nucleotide position is highly conserved in available vertebrate species. Based on the available evidence, the clinical significance of this variant remains unclear.

Labcorp Genetics (formerly Invitae), Labcorp
Classification: Likely pathogenic for Ehlers-Danlos syndrome, type 4. Last evaluated: 2024-10-19. Review status: criteria provided, single submitter. Criteria: Invitae Variant Classification Sherloc (09022015). Collection method: clinical testing. Allele origin: germline.
Comment: This sequence change affects a donor splice site in intron 38 of the COL3A1 gene. It is expected to disrupt RNA splicing. Variants that disrupt the donor or acceptor splice site typically lead to a loss of protein function (PMID: 16199547), and loss-of-function variants in COL3A1 are known to be pathogenic (PMID: 24922459). This variant is not present in population databases (gnomAD no frequency). This variant has not been reported in the literature in individuals affected with COL3A1-related conditions. Algorithms developed to predict the effect of sequence changes on RNA splicing suggest that this variant may disrupt the consensus splice site. In summary, the currently available evidence indicates that the variant is pathogenic, but additional data are needed to prove that conclusively. Therefore, this variant has been classified as Likely Pathogenic.

Literature cited by the submitters: PubMed 16199547 (cited by Labcorp Genetics (formerly Invitae), Labcorp); PubMed 24922459 (cited by Labcorp Genetics (formerly Invitae), Labcorp).

NM_000090.4(COL3A1):c.2661+1G>A

Gene: COL3A1 (collagen type III alpha 1 chain; plus strand). Cytogenetic location: 2q32.2.
Variant type: single nucleotide variant.
Coding change: c.2661+1G>A on transcript NM_000090.4 (MANE Select); the canonical splice donor site of the intron after coding-DNA position 2661, G replaced by A.
Molecular consequence: splice donor variant.
Genome position (GRCh38, 1-based): chr2:189,003,788, G>A. VCF-style: chr2-189003788-G-A. GRCh37 (hg19) VCF-style: chr2-189868514-G-A.
Other names: c.2661+1G>A (NM_000090.3).
Identifiers: ClinVar variation 3713795 (VCV003713795.3).
Genomic context (GRCh38, chr2:189,003,788, plus strand): 5'-TCACAGGGTGCTGCTGGCTTCCCTGGTGCTCGTGGTCTTCCTGGTCCTCCTGGTAGTAAT[G>A]TAAGTAATTGTTAAAGTCTTTTCTCATCATACACTTCAGAAAGAGCATTCATGTATGTAT-3'